The following is an entry in ClinVar:

ClinVar aggregate classification (germline): Pathogenic/Likely pathogenic. Review status: criteria provided, multiple submitters, no conflicts (2 of 4 stars). 2 submissions from 2 submitters: Pathogenic (1); Likely pathogenic (1). Last evaluated 2025-12-31.

Conditions:
Congenital myasthenic syndrome (CMS). Also called: Congenital Myasthenic Syndromes. Identifiers: Orphanet 590, MedGen C0751882, MeSH D020294, MONDO:0018940.
Congenital myasthenic syndrome 4A. Also called: Myasthenic syndrome, congenital, 4a, slow-channel; MYASTHENIC SYNDROME, CONGENITAL, 4A, SLOW-CHANNEL, AUTOSOMAL RECESSIVE; CONGENITAL MYASTHENIC SYNDROME TYPE Ia1. Identifiers: Orphanet 590, MedGen C4225413, MONDO:0011600, OMIM 605809.

Submissions (2):

Natera, Inc.
Classification: Likely pathogenic for Congenital myasthenic syndrome. Last evaluated: 2025-12-31. Review status: criteria provided, single submitter. Criteria: Natera Variant Classification Schema (03/2026). Collection method: clinical testing. Allele origin: germline.
Comment: The c.1258delG variant in CHRNE is a frameshift variant predicted to shift the reading frame beginning at codon 420 and leads to a stop codon 8 codons downstream. This variant is expected to result in nonsense mediated decay, truncation, or a dysfunctional protein product. This variant is rare in the general population with a frequency below the threshold expected for the associated phenotype(s). Given the available evidence, this variant is classified as Likely Pathogenic.

Labcorp Genetics (formerly Invitae), Labcorp
Classification: Pathogenic for Congenital myasthenic syndrome 4A. Last evaluated: 2023-09-25. Review status: criteria provided, single submitter. Criteria: Invitae Variant Classification Sherloc (09022015). Collection method: clinical testing. Allele origin: germline.
Comment: This sequence change creates a premature translational stop signal (p.Val420Serfs*8) in the CHRNE gene. While this is not anticipated to result in nonsense mediated decay, it is expected to disrupt the last 74 amino acid(s) of the CHRNE protein. For these reasons, this variant has been classified as Pathogenic. This variant disrupts a region of the CHRNE protein in which other variant(s) (p.Asn452Glufs*4) have been determined to be pathogenic (PMID: 8957026, 15951177, 19064877, 21175599, 28024842, 29054425). This suggests that this is a clinically significant region of the protein, and that variants that disrupt it are likely to be disease-causing. This variant has not been reported in the literature in individuals affected with CHRNE-related conditions. This variant is not present in population databases (gnomAD no frequency).

Literature cited by the submitters: PubMed 8957026 (cited by Labcorp Genetics (formerly Invitae), Labcorp); PubMed 15951177 (cited by Labcorp Genetics (formerly Invitae), Labcorp); PubMed 19064877 (cited by Labcorp Genetics (formerly Invitae), Labcorp); PubMed 21175599 (cited by Labcorp Genetics (formerly Invitae), Labcorp); PubMed 28024842 (cited by Labcorp Genetics (formerly Invitae), Labcorp); PubMed 29054425 (cited by Labcorp Genetics (formerly Invitae), Labcorp).

NM_000080.4(CHRNE):c.1258del (p.Val420fs)

Gene: CHRNE (cholinergic receptor nicotinic epsilon subunit; minus strand). Cytogenetic location: 17p13.2.
Variant type: Deletion.
Coding change: c.1258del on transcript NM_000080.4 (MANE Select); coding-DNA position 1258, one base deleted (G; older notation c.1258delG).
Protein change: p.Val420fs; shifts the reading frame from valine 420.
Molecular consequence: frameshift variant.
Genome position (GRCh38, 1-based): chr17:4,899,069, C deleted on the plus strand (G on the coding strand, the reverse complement: CHRNE is on the minus strand); the first of 2 consecutive C bases (chr17:4,899,069-4,899,070); deleting either gives the same sequence. VCF-style (leftmost placement, unchanged base first): chr17-4899068-AC-A. GRCh37 (hg19) VCF-style: chr17-4802363-AC-A.
Other names: c.1258delG (NM_000080.3); short protein forms V420fs.
Identifiers: ClinVar variation 2730191 (VCV002730191.4), dbSNP rs1455970082, ClinGen allele CA772623221.
Genomic context (GRCh38, chr17:4,899,068, plus strand): 5'-GTGGCCTCCTGATCTCTCGTGCTCTCGGCCACGAAGTTCACGGCATCCACACAGCAGCGG[AC>A]CTCGGGGGCGGCGGCGCCCAGGCTCTGGCAGAAGGCAGCTGGCGGGGAAAACACCGGGGT-3'